The following is an entry in ClinVar:

NC_012920.1(MT-ATP6):m.8941C>T

Gene: MT-ATP6 (mitochondrially encoded ATP synthase 6; plus strand).
Variant type: single nucleotide variant.
Genome position: chrM-8941-C-T.
Identifiers: ClinVar variation 693031 (VCV000693031.1), dbSNP rs1603221928, ClinGen allele CA414799071.

ClinVar aggregate classification (germline): Uncertain significance (1 of 4 stars; one submission).

Conditions:
Leigh syndrome (NULS). Also called: Leigh's necrotizing encephalopathy; Leigh's disease; Leigh Syndrome (mtDNA deletion); Leigh Disease; Subacute necrotizing encephalopathy; Necrotizing encephalopathy infantile subacute of Leigh. Identifiers: Orphanet 506, MedGen C2931891, MONDO:0009723, OMIM 256000.

Submission:

Wong Mito Lab, Molecular and Human Genetics, Baylor College of Medicine
Classification: Uncertain significance for Leigh syndrome. Last evaluated: 2019-10-17. Review status: criteria provided, single submitter. Criteria: Modified ACMG Guidelines (Unpublished). Collection method: clinical testing. Allele origin: germline.
Comment: The NC_012920.1:m.8941C>T (YP_003024031.1:p.Pro139Ser) variant in MTATP6 gene is interpretated to be a Uncertain Significance variant based on the modified ACMG guidelines (unpublished). This variant meets the following evidence codes: PP4